The following is an entry in ClinVar:

NM_000264.5(PTCH1):c.2050G>T (p.Glu684Ter)

Genes: PTCH1 (patched 1; minus strand), LOC100507346 (uncharacterized LOC100507346; plus strand). Cytogenetic location: 9q22.32.
Variant type: single nucleotide variant.
Coding change: c.2050G>T on transcript NM_000264.5 (MANE Select); coding-DNA position 2050, G replaced by T.
Protein change: p.Glu684Ter; replaces glutamic acid 684 with a stop codon.
Molecular consequence: nonsense. On other transcripts: non-coding transcript variant (2).
Genome position (GRCh38, 1-based): chr9:95,468,951, C>A on the plus strand (G>T on the coding strand, the complement: PTCH1 is on the minus strand). VCF-style: chr9-95468951-C-A. GRCh37 (hg19) VCF-style: chr9-98231233-C-A.
Other names: c.1852G>T, p.Glu618Ter (NM_001083602.3); c.2047G>T, p.Glu683Ter (NM_001083603.3); c.1597G>T, p.Glu533Ter (NM_001083604.3, NM_001083605.3, NM_001083606.3 and 1 more transcripts); c.1894G>T, p.Glu632Ter (NM_001354918.2); short protein forms E683*, E618*, E684*, E533*, E632*.
Identifiers: ClinVar variation 2011280 (VCV002011280.4), dbSNP rs62637629, ClinGen allele CA374115762.

ClinVar aggregate classification (germline): Pathogenic (1 of 4 stars; one submission).

Conditions:
Gorlin syndrome. Also called: Nevoid Basal Cell Carcinoma Syndrome; Basal cell nevus syndrome. Identifiers: Orphanet 377, MedGen C0004779, MONDO:0007187.

Submission:

Labcorp Genetics (formerly Invitae), Labcorp
Classification: Pathogenic for Gorlin syndrome. Last evaluated: 2024-05-08. Review status: criteria provided, single submitter. Criteria: Invitae Variant Classification Sherloc (09022015). Collection method: clinical testing. Allele origin: germline.
Comment: This sequence change creates a premature translational stop signal (p.Glu684*) in the PTCH1 gene. It is expected to result in an absent or disrupted protein product. Loss-of-function variants in PTCH1 are known to be pathogenic (PMID: 16301862, 16419085). This variant is not present in population databases (gnomAD no frequency). This variant has not been reported in the literature in individuals affected with PTCH1-related conditions. ClinVar contains an entry for this variant (Variation ID: 2011280). For these reasons, this variant has been classified as Pathogenic.

Literature cited by the submitters: PubMed 16301862; PubMed 16419085.